The following is an entry in ClinVar:

NM_018417.6(ADCY10):c.244A>G (p.Ile82Val)

Genes: ADCY10 (adenylate cyclase 10; minus strand), DCAF6 (DDB1 and CUL4 associated factor 6; plus strand). Cytogenetic location: 1q24.2.
Variant type: single nucleotide variant.
Coding change: c.244A>G on transcript NM_018417.6 (MANE Select); coding-DNA position 244, A replaced by G.
Protein change: p.Ile82Val; replaces isoleucine 82 with valine.
Molecular consequence: missense variant. On other transcripts: 5 prime UTR variant (1), intron variant (1).
Genome position (GRCh38, 1-based): chr1:167,903,896, T>C on the plus strand (A>G on the coding strand, the complement: ADCY10 is on the minus strand). VCF-style: chr1-167903896-T-C. GRCh37 (hg19) VCF-style: chr1-167873134-T-C.
Other names: c.-70A>G (NM_001297772.2); c.-62-1842A>G (NM_001167749.3); short protein forms I82V.
Identifiers: ClinVar variation 4807766 (VCV004807766.1).
Genomic context (GRCh38, chr1:167,903,896, plus strand): 5'-AAAACAATGAATTGAAATATTCTCAAGCCAGAAACCTATGGGAACACTTACTCTCCACTA[T>C]TGCACTTATGTGGTAGTTGAGGATCTCCACCAACTGCTCAGCCCCTCTGTCCATGTACAT-3'
Protein context (NP_060887.2, residues 72-92): VEILNYHISA[Ile82Val]VEKVLIFGGD

ClinVar aggregate classification (germline): Uncertain significance (1 of 4 stars; one submission).

gnomAD v4.1: 3 of 1,610,366 alleles (0.00019%); highest among the groups gnomAD compares: Non-Finnish European, 0.00025%; no homozygotes.

Submission:

Labcorp Genetics (formerly Invitae), Labcorp
Classification: Uncertain significance. Last evaluated: 2025-10-12. Review status: criteria provided, single submitter. Criteria: Invitae Variant Classification Sherloc (09022015). Collection method: clinical testing. Allele origin: germline.
Comment: This sequence change replaces isoleucine, which is neutral and non-polar, with valine, which is neutral and non-polar, at codon 82 of the ADCY10 protein (p.Ile82Val). This variant is present in population databases (no rsID available, gnomAD 0.002%). This variant has not been reported in the literature in individuals affected with ADCY10-related conditions. An algorithm developed to predict the effect of missense changes on protein structure and function (PolyPhen-2) suggests that this variant is likely to be disruptive. In summary, the available evidence is currently insufficient to determine the role of this variant in disease. Therefore, it has been classified as a Variant of Uncertain Significance.